The following is an entry in ClinVar:

ClinVar aggregate classification (germline): Likely pathogenic (1 of 4 stars; one submission).

Submission:

Labcorp Genetics (formerly Invitae), Labcorp
Classification: Likely pathogenic. Last evaluated: 2022-09-15. Review status: criteria provided, single submitter. Criteria: Invitae Variant Classification Sherloc (09022015). Collection method: clinical testing. Allele origin: germline.
Comment: In summary, the currently available evidence indicates that the variant is pathogenic, but additional data are needed to prove that conclusively. Therefore, this variant has been classified as Likely Pathogenic. This variant results in the deletion of part of exon 14 (c.1471_1474+8del) of the ARMC9 gene. It is expected to disrupt RNA splicing. Variants that disrupt the donor or acceptor splice site typically lead to a loss of protein function (PMID: 16199547), and loss-of-function variants in ARMC9 are known to be pathogenic (PMID: 28625504). Algorithms developed to predict the effect of sequence changes on RNA splicing suggest that this variant may disrupt the consensus splice site. This variant has not been reported in the literature in individuals affected with ARMC9-related conditions. This variant is present in population databases (rs753730553, gnomAD 0.003%).

Literature cited by the submitters: PubMed 16199547; PubMed 28625504.

NM_001352754.2(ARMC9):c.1471_1474+8del

Gene: ARMC9 (armadillo repeat containing 9; plus strand). Cytogenetic location: 2q37.1.
Variant type: Deletion.
Coding change: c.1471_1474+8del on transcript NM_001352754.2 (MANE Select); coding-DNA position 1471 through 8 bases into the intron after coding-DNA position 1474, 12 bases deleted (ACAGGTCTCAGC).
Molecular consequence: splice donor variant.
Genome position (GRCh38, 1-based): chr2:231,276,772-231,276,783, ACAGGTCTCAGC deleted; deleting any 12 consecutive bases within chr2:231,276,768-231,276,783 gives the same sequence; the c. name uses the placement nearest the transcript's 3' end. VCF-style (leftmost placement, unchanged base first): chr2-231276767-GCAGCACAGGTCT-G. GRCh37 (hg19) VCF-style: chr2-232141480-GCAGCACAGGTCT-G.
Other names: c.1471_1474+8del (NM_001271466.4, NM_001352755.2, NM_001352756.2 and 3 more transcripts); c.1372_1375+8del (NM_001352757.2, NM_001352758.2).
Identifiers: ClinVar variation 2012019 (VCV002012019.4), dbSNP rs753730553, ClinGen allele CA2160326.
Genomic context (GRCh38, chr2:231,276,767, plus strand): 5'-ACTGCCTGTCTGACTACACGCTGGAGTACTCGGTGGCTTTGCTCATGAACCTCTGCCTCC[GCAGCACAGGTCT>G]CAGCCCCGACCCTCATTCTAGTGCAAGAAGGGGAAGAGATCTTGACTCTTGAAGCTGGGT-3'